The following is an entry in ClinVar:

ClinVar aggregate classification (germline): Likely benign (1 of 4 stars; one submission).

Submission:

CeGaT Center for Human Genetics Tuebingen
Classification: Likely benign. Last evaluated: 2025-11-01. Review status: criteria provided, single submitter. Criteria: CeGaT Center For Human Genetics Tuebingen Variant Classification Criteria Version 2. Collection method: clinical testing. Allele origin: germline. Affected: yes. Observed: 5 variant alleles.
Comment: MUC4: BP4, BP7

NM_018406.7(MUC4):c.10107T>A (p.Ala3369=)

Gene: MUC4 (mucin 4, cell surface associated). Cytogenetic location: 3q29.
Variant type: single nucleotide variant.
Coding change: c.10107T>A on transcript NM_018406.7 (MANE Select); coding-DNA position 10107, T replaced by A.
Protein change: p.Ala3369=; no amino-acid change (alanine 3369 retained).
Molecular consequence: synonymous variant. On other transcripts: no sequence alteration (1), genic upstream transcript variant (2).
Genome position (GRCh38, 1-based): chr3:195,781,473, A>T on the plus strand (T>A on the coding strand, the complement: MUC4 is on the minus strand). VCF-style: chr3-195781473-A-T. GRCh37 (hg19) VCF-style: chr3-195508344-A-T.
Other names: c.14877=, p.Ala4959= (NM_001322468.1); c.83-7168T>A (NM_138297.5); c.83-3018T>A (NM_004532.6).
Identifiers: ClinVar variation 2654433 (VCV002654433.24), dbSNP rs1300267437, ClinGen allele CA2770461.